The following is an entry in ClinVar:

NM_014408.5(TRAPPC3):c.509G>A (p.Arg170Gln)

Gene: TRAPPC3 (trafficking protein particle complex subunit 3; minus strand). Cytogenetic location: 1p34.3.
Variant type: single nucleotide variant.
Coding change: c.509G>A on transcript NM_014408.5 (MANE Select); coding-DNA position 509, G replaced by A.
Protein change: p.Arg170Gln; replaces arginine 170 with glutamine.
Molecular consequence: missense variant. On other transcripts: non-coding transcript variant (2).
Genome position (GRCh38, 1-based): chr1:36,137,237, C>T on the plus strand (G>A on the coding strand, the complement: TRAPPC3 is on the minus strand). VCF-style: chr1-36137237-C-T. GRCh37 (hg19) VCF-style: chr1-36602838-C-T.
Other names: c.533G>A, p.Arg178Gln (NM_001270894.2); c.371G>A, p.Arg124Gln (NM_001270895.2, NM_001270896.2); c.311G>A, p.Arg104Gln (NM_001270897.2); short protein forms R104Q, R124Q, R170Q, R178Q.
Identifiers: ClinVar variation 3460921 (VCV003460921.2).
Genomic context (GRCh38, chr1:36,137,237, plus strand): 5'-TGGCTATCCTCGAGTTGTAGGGATGGTTATTCCTCTCCAGCTGGAAGATTGTCCTCAATC[C>T]GCCTGATGAATCTCATCCGGATTTCTGTCACACCGTCTCCTTTCAGGGTGTCCTGGACAA-3'
Protein context (NP_055223.1, residues 160-180): VTEIRMRFIR[Arg170Gln]IEDNLPAGEE

ClinVar aggregate classification (germline): Uncertain significance. Review status: criteria provided, multiple submitters, no conflicts (2 of 4 stars). 2 submissions from 2 submitters: Uncertain significance (2). Last evaluated 2025-04-24.

gnomAD v4.1: 59 of 1,612,540 alleles (0.0037%); highest among the groups gnomAD compares: Admixed American, 0.01%; no homozygotes.

Submissions (2):

Labcorp Genetics (formerly Invitae), Labcorp
Classification: Uncertain significance. Last evaluated: 2025-04-24. Review status: criteria provided, single submitter. Criteria: Invitae Variant Classification Sherloc (09022015). Collection method: clinical testing. Allele origin: germline.
Comment: This sequence change replaces arginine, which is basic and polar, with glutamine, which is neutral and polar, at codon 178 of the TRAPPC3 protein (p.Arg178Gln). This variant is present in population databases (rs771791503, gnomAD 0.01%). This variant has not been reported in the literature in individuals affected with TRAPPC3-related conditions. ClinVar contains an entry for this variant (Variation ID: 3460921). Experimental studies and prediction algorithms are not available or were not evaluated, and the functional significance of this variant is currently unknown. In summary, the available evidence is currently insufficient to determine the role of this variant in disease. Therefore, it has been classified as a Variant of Uncertain Significance.

Ambry Genetics
Classification: Uncertain significance. Last evaluated: 2024-11-28. Review status: criteria provided, single submitter. Criteria: Ambry Variant Classification Scheme 2023. Collection method: clinical testing. Allele origin: germline.